The following is an entry in ClinVar:

NM_053025.4(MYLK):c.2060C>T (p.Pro687Leu)

Gene: MYLK (myosin light chain kinase; minus strand). Cytogenetic location: 3q21.1.
Variant type: single nucleotide variant.
Coding change: c.2060C>T on transcript NM_053025.4 (MANE Select); coding-DNA position 2060, C replaced by T.
Protein change: p.Pro687Leu; replaces proline 687 with leucine.
Molecular consequence: missense variant.
Genome position (GRCh38, 1-based): chr3:123,708,778, G>A on the plus strand (C>T on the coding strand, the complement: MYLK is on the minus strand). VCF-style: chr3-123708778-G-A. GRCh37 (hg19) VCF-style: chr3-123427625-G-A.
Other names: c.1532C>T, p.Pro511Leu (NM_001321309.2); c.1853C>T, p.Pro618Leu (NM_053026.4, NM_053028.4); c.2060C>T, p.Pro687Leu (NM_053027.4); short protein forms P687L, P511L, P618L.
Identifiers: ClinVar variation 539074 (VCV000539074.30), dbSNP rs144923036, ClinGen allele CA067966.

ClinVar aggregate classification (germline): Uncertain significance. Review status: criteria provided, multiple submitters, no conflicts (2 of 4 stars). 8 submissions from 8 submitters: Uncertain significance (8). Last evaluated 2026-01-26.

Conditions:
Familial thoracic aortic aneurysm and aortic dissection (TAAD). Also called: Thoracic aortic aneurysms and dissections. Identifiers: Orphanet 91387, MedGen C4707243, MONDO:0019625.
Megacystis-microcolon-intestinal hypoperistalsis syndrome 1. Identifiers: MedGen C5542316, MONDO:0100354, OMIM 249210.
Aortic aneurysm, familial thoracic 7 (AAT7). Also called: AORTIC DISSECTION, FAMILIAL, WITH OR WITHOUT AORTIC ANEURYSM. Identifiers: MedGen C3151077, MONDO:0013418, OMIM 613780.

Allele frequency attached by ClinVar (database versions not stated): gnomAD exomes 0.00004; ExAC 0.00007; TOPMed 0.00010; gnomAD 0.00011 and 0.00012; ESP Exome Variant Server 0.00015.
gnomAD v4.1: 110 of 1,613,988 alleles (0.0068%); highest among the groups gnomAD compares: Middle Eastern, 0.033%; no homozygotes.

Submissions (8):

Labcorp Genetics (formerly Invitae), Labcorp
Classification: Uncertain significance for Aortic aneurysm, familial thoracic 7. Last evaluated: 2026-01-26. Review status: criteria provided, single submitter. Criteria: Invitae Variant Classification Sherloc (09022015). Collection method: clinical testing. Allele origin: germline.
Comment: This sequence change replaces proline, which is neutral and non-polar, with leucine, which is neutral and non-polar, at codon 687 of the MYLK protein (p.Pro687Leu). This variant is present in population databases (rs144923036, gnomAD 0.02%). This variant has not been reported in the literature in individuals affected with MYLK-related conditions. ClinVar contains an entry for this variant (Variation ID: 539074). Invitae Evidence Modeling of protein sequence and biophysical properties (such as structural, functional, and spatial information, amino acid conservation, physicochemical variation, residue mobility, and thermodynamic stability) has been performed for this missense variant. However, the output from this modeling did not meet the statistical confidence thresholds required to predict the impact of this variant on MYLK protein function. In summary, the available evidence is currently insufficient to determine the role of this variant in disease. Therefore, it has been classified as a Variant of Uncertain Significance.

GeneDx
Classification: Uncertain significance. Last evaluated: 2025-12-02. Review status: criteria provided, single submitter. Criteria: GeneDx Variant Classification Process June 2021. Collection method: clinical testing. Allele origin: germline. Affected: yes.
Comment: Has not been previously published as pathogenic or benign to our knowledge; In silico analysis supports that this missense variant has a deleterious effect on protein structure/function

CeGaT Center for Human Genetics Tuebingen
Classification: Uncertain significance. Last evaluated: 2025-07-01. Review status: criteria provided, single submitter. Criteria: CeGaT Center For Human Genetics Tuebingen Variant Classification Criteria Version 2. Collection method: clinical testing. Allele origin: germline. Affected: yes. Observed: 1 variant allele.
Comment: MYLK: PM2

Ambry Genetics
Classification: Uncertain significance for Familial thoracic aortic aneurysm and aortic dissection. Last evaluated: 2025-04-18. Review status: criteria provided, single submitter. Criteria: Ambry Variant Classification Scheme 2023. Collection method: clinical testing. Allele origin: germline.
Comment: The p.P687L variant (also known as c.2060C>T), located in coding exon 12 of the MYLK gene, results from a C to T substitution at nucleotide position 2060. The proline at codon 687 is replaced by leucine, an amino acid with similar properties. This amino acid position is highly conserved in available vertebrate species. In addition, this alteration is predicted to be tolerated by in silico analysis. Since supporting evidence is limited at this time, the clinical significance of this alteration remains unclear.

Women's Health and Genetics/Laboratory Corporation of America, LabCorp
Classification: Uncertain significance. Last evaluated: 2024-01-15. Review status: criteria provided, single submitter. Criteria: LabCorp Variant Classification Summary - May 2015. Collection method: clinical testing. Allele origin: germline.

Fulgent Genetics
Classification: Uncertain significance for Megacystis-microcolon-intestinal hypoperistalsis syndrome 1; Aortic aneurysm, familial thoracic 7. Last evaluated: 2021-08-15. Review status: criteria provided, single submitter. Criteria: ACMG Guidelines, 2015. Collection method: clinical testing. Allele origin: unknown.

CHEO Genetics Diagnostic Laboratory, Children's Hospital of Eastern Ontario
Classification: Uncertain significance for Familial thoracic aortic aneurysm and aortic dissection. Last evaluated: 2020-03-20. Review status: criteria provided, single submitter. Criteria: ACMG Guidelines, 2015. Collection method: clinical testing. Allele origin: germline.

Mayo Clinic Laboratories, Mayo Clinic
Classification: Uncertain significance. Last evaluated: 2019-09-23. Review status: criteria provided, single submitter. Criteria: ACMG Guidelines, 2015. Collection method: clinical testing. Allele origin: germline. Observed: 1 variant allele.